The following is an entry in ClinVar:

NM_001145809.2(MYH14):c.5962C>T (p.Arg1988Cys)

Gene: MYH14 (myosin heavy chain 14; plus strand). Cytogenetic location: 19q13.33.
Variant type: single nucleotide variant.
Coding change: c.5962C>T on transcript NM_001145809.2 (MANE Select); coding-DNA position 5962, C replaced by T.
Protein change: p.Arg1988Cys; replaces arginine 1988 with cysteine.
Molecular consequence: missense variant.
Genome position (GRCh38, 1-based): chr19:50,309,641, C>T. VCF-style: chr19-50309641-C-T. GRCh37 (hg19) VCF-style: chr19-50812898-C-T.
Other names: c.5863C>T, p.Arg1955Cys (NM_001077186.2); c.5839C>T, p.Arg1947Cys (NM_024729.4); c.5839C>T (NM_024729.3); short protein forms R1947C, R1955C, R1988C.
Identifiers: ClinVar variation 994693 (VCV000994693.2), dbSNP rs747594595, ClinGen allele CA9593969.

ClinVar aggregate classification (germline): Uncertain significance. Review status: criteria provided, multiple submitters, no conflicts (2 of 4 stars). 2 submissions from 2 submitters: Uncertain significance (2). Last evaluated 2024-11-01.

Allele frequency attached by ClinVar (database versions not stated): gnomAD 0.00001; TOPMed 0.00002; gnomAD exomes 0.00003; ExAC 0.00005.
gnomAD v4.1: 60 of 1,595,732 alleles (0.0038%); highest among the groups gnomAD compares: Middle Eastern, 0.017%; no homozygotes.

Submissions (2):

GeneDx
Classification: Uncertain significance. Last evaluated: 2024-11-01. Review status: criteria provided, single submitter. Criteria: GeneDx Variant Classification Process June 2021. Collection method: clinical testing. Allele origin: germline. Affected: yes.
Comment: In silico analysis supports that this missense variant has a deleterious effect on protein structure/function; Has not been previously published as pathogenic or benign to our knowledge

Athena Diagnostics
Classification: Uncertain significance. Last evaluated: 2020-04-13. Review status: criteria provided, single submitter. Criteria: Athena Diagnostics Criteria. Collection method: clinical testing. Allele origin: unknown.